The following is an entry in ClinVar:

ClinVar aggregate classification (germline): Uncertain significance (1 of 4 stars; one submission).

Conditions:
Early-infantile DEE. Also called: Ohtahara syndrome; Early infantile epileptic encephalopathy; Early infantile epileptic encephalopathy with suppression bursts. Identifiers: Orphanet 1934, MedGen C0393706, MONDO:0800491.

Submission:

Labcorp Genetics (formerly Invitae), Labcorp
Classification: Uncertain significance for Early-infantile DEE. Last evaluated: 2024-04-15. Review status: criteria provided, single submitter. Criteria: Invitae Variant Classification Sherloc (09022015). Collection method: clinical testing. Allele origin: germline.
Comment: This sequence change replaces cysteine, which is neutral and slightly polar, with phenylalanine, which is neutral and non-polar, at codon 429 of the KCNQ2 protein (p.Cys429Phe). This variant is not present in population databases (gnomAD no frequency). This variant has not been reported in the literature in individuals affected with KCNQ2-related conditions. ClinVar contains an entry for this variant (Variation ID: 665620). An algorithm developed to predict the effect of missense changes on protein structure and function (PolyPhen-2) suggests that this variant is likely to be tolerated. In summary, the available evidence is currently insufficient to determine the role of this variant in disease. Therefore, it has been classified as a Variant of Uncertain Significance.

NM_172107.4(KCNQ2):c.1286G>T (p.Cys429Phe)

Gene: KCNQ2 (potassium voltage-gated channel subfamily Q member 2; minus strand). Cytogenetic location: 20q13.33.
Variant type: single nucleotide variant.
Coding change: c.1286G>T on transcript NM_172107.4 (MANE Select); coding-DNA position 1286, G replaced by T.
Protein change: p.Cys429Phe; replaces cysteine 429 with phenylalanine.
Molecular consequence: missense variant. On other transcripts: intron variant (3).
Genome position (GRCh38, 1-based): chr20:63,419,634, C>A on the plus strand (G>T on the coding strand, the complement: KCNQ2 is on the minus strand). VCF-style: chr20-63419634-C-A. GRCh37 (hg19) VCF-style: chr20-62050987-C-A.
Other names: c.1218-4508G>T (NM_004518.6); c.1247+4543G>T (NM_172108.5); c.1248-4508G>T (NM_172106.3); short protein forms C429F.
Identifiers: ClinVar variation 665620 (VCV000665620.11), dbSNP rs1601590761, ClinGen allele CA409648477.